The following is an entry in ClinVar:

ClinVar aggregate classification (germline): Pathogenic (1 of 4 stars; one submission).

Conditions:
Hereditary cancer-predisposing syndrome. Also called: Hereditary neoplastic syndrome; Neoplastic Syndromes, Hereditary; Tumor predisposition; Hereditary Cancer Syndrome. Identifiers: Orphanet 140162, MedGen C0027672, MeSH D009386, MONDO:0015356.

Submission:

Ambry Genetics
Classification: Pathogenic for Hereditary cancer-predisposing syndrome. Last evaluated: 2025-04-11. Review status: criteria provided, single submitter. Criteria: Ambry Variant Classification Scheme 2023. Collection method: clinical testing. Allele origin: germline.
Comment: The c.8714dupC pathogenic mutation, located in coding exon 59 of the ATM gene, results from a duplication of C at nucleotide position 8714, causing a translational frameshift with a predicted alternate stop codon (p.V2906Sfs*4). This variant is considered to be rare based on population cohorts in the Genome Aggregation Database (gnomAD). This alteration is expected to result in loss of function by premature protein truncation or nonsense-mediated mRNA decay. As such, this alteration is interpreted as a disease-causing mutation.

NM_000051.4(ATM):c.8714dup (p.Val2906fs)

Genes: ATM (ATM serine/threonine kinase; plus strand), C11orf65 (chromosome 11 open reading frame 65; minus strand). Cytogenetic location: 11q22.3.
Variant type: Duplication.
Coding change: c.8714dup on transcript NM_000051.4 (MANE Select); coding-DNA position 8714, one base duplicated (C; older notation c.8714dupC).
Protein change: p.Val2906fs; shifts the reading frame from valine 2906.
Molecular consequence: frameshift variant. On other transcripts: intron variant (2).
Genome position (GRCh38, 1-based): chr11:108,353,808, C duplicated. VCF-style (leftmost placement, unchanged base first): chr11-108353807-A-AC. GRCh37 (hg19) VCF-style: chr11-108224534-A-AC.
Other names: c.8714dupC (NM_000051.3); c.8714dup, p.Val2906fs (NM_001351834.2); c.640+32112dup (NM_001330368.2); c.695-18516dup (NM_001351110.2); short protein forms V2906fs.
Identifiers: ClinVar variation 1764424 (VCV001764424.3), dbSNP rs2547516055, ClinGen allele CA2580083025.
Genomic context (GRCh38, chr11:108,353,807, plus strand): 5'-ACTGTATTCTTTACTTTAGGTGTTGCTTTTGAACAGGGCAAAATCCTTCCTACTCCTGAG[A>AC]CAGTTCCTTTTAGACTCACCAGAGATATTGTGGATGGCATGGGCATTACGGGTGTTGAAG-3'